The following is an entry in ClinVar:

NM_000551.4(VHL):c.16G>T (p.Glu6Ter)

Gene: VHL (von Hippel-Lindau tumor suppressor; plus strand). Cytogenetic location: 3p25.3.
Variant type: single nucleotide variant.
Coding change: c.16G>T on transcript NM_000551.4 (MANE Select); coding-DNA position 16, G replaced by T.
Protein change: p.Glu6Ter; replaces glutamic acid 6 with a stop codon.
Molecular consequence: nonsense.
Genome position (GRCh38, 1-based): chr3:10,141,863, G>T. VCF-style: chr3-10141863-G-T. GRCh37 (hg19) VCF-style: chr3-10183547-G-T.
Other names: c.16G>T, p.Glu6Ter (NM_001354723.2, NM_198156.3); short protein forms E6*.
Identifiers: ClinVar variation 1059764 (VCV001059764.10), dbSNP rs545406510, ClinGen allele CA351747032.

ClinVar aggregate classification (germline): Uncertain significance. Review status: criteria provided, multiple submitters, no conflicts (2 of 4 stars). 2 submissions from 2 submitters: Uncertain significance (2). Last evaluated 2023-03-28.

Conditions:
Chuvash polycythemia. Also called: POLYCYTHEMIA, VHL-DEPENDENT. Identifiers: Orphanet 238557, MedGen C1837915, MONDO:0009892, OMIM 263400.
Von Hippel-Lindau syndrome (VHLS). Also called: Von Hippel-Lindau; von Hippel–Lindau syndrome; VHL syndrome. Identifiers: Orphanet 892, MedGen C0019562, MONDO:0008667, OMIM 193300. Disease mechanism: loss of function.

Submissions (2):

All of Us Research Program, National Institutes of Health
Classification: Uncertain significance for Von Hippel-Lindau syndrome. Last evaluated: 2023-03-28. Review status: criteria provided, single submitter. Criteria: ACMG Guidelines, 2015. Collection method: clinical testing. Allele origin: germline. Inheritance: Autosomal dominant inheritance. Observed: 1 variant allele, 1 heterozygote.
Comment: This study involves interpretation of variants in research participants for the purpose of population health screening. Participant phenotype was not available at the time of variant classification. Additional details can be found in publication PMID: 35346344, PMCID: PMC8962531

Labcorp Genetics (formerly Invitae), Labcorp
Classification: Uncertain significance for Von Hippel-Lindau syndrome; Chuvash polycythemia. Last evaluated: 2020-03-09. Review status: criteria provided, single submitter. Criteria: Invitae Variant Classification Sherloc (09022015). Collection method: clinical testing. Allele origin: germline.
Comment: This sequence change results in a premature translational stop signal in the VHL gene (p.Glu6*). It is unclear whether it will result in an absent or disrupted protein product because a highly conserved, in-frame methionine located at codon 54 has the potential to rescue this truncating variant. The frequency data for this variant in the population databases is considered unreliable, as metrics indicate insufficient coverage at this position in the ExAC database. Downstream of the known ATG start site, the nearest methionine codon that can be used to initiate translation of the VHL protein lies at codon 54. Several studies have shown that the VHL protein created from this downstream methionine is biologically active, and exhibits properties similar to the full-length, wild-type protein (PMID: 9671762, 9751722, 10102622). Based on these results, the impact of this variant on VHL protein function is uncertain. In summary, the available evidence is currently insufficient to determine the role of this variant in disease. Therefore, it has been classified as a Variant of Uncertain Significance.

Literature cited by the submitters: PubMed 9671762 (cited by Labcorp Genetics (formerly Invitae), Labcorp); PubMed 9751722 (cited by Labcorp Genetics (formerly Invitae), Labcorp); PubMed 10102622 (cited by Labcorp Genetics (formerly Invitae), Labcorp).